The following is an entry in ClinVar:

NM_003640.5(ELP1):c.2825G>A (p.Arg942Gln)

Gene: ELP1 (elongator acetyltransferase complex subunit 1; minus strand). Cytogenetic location: 9q31.3.
Variant type: single nucleotide variant.
Coding change: c.2825G>A on transcript NM_003640.5 (MANE Select); coding-DNA position 2825, G replaced by A.
Protein change: p.Arg942Gln; replaces arginine 942 with glutamine.
Molecular consequence: missense variant.
Genome position (GRCh38, 1-based): chr9:108,893,978, C>T on the plus strand (G>A on the coding strand, the complement: ELP1 is on the minus strand). VCF-style: chr9-108893978-C-T. GRCh37 (hg19) VCF-style: chr9-111656258-C-T.
Other names: c.2825G>A (LRG_251t1); c.2483G>A, p.Arg828Gln (NM_001318360.2); c.1778G>A, p.Arg593Gln (NM_001330749.2); short protein forms R942Q, R828Q, R593Q.
Identifiers: ClinVar variation 242293 (VCV000242293.47), dbSNP rs149845612, ClinGen allele CA5174526.
Genomic context (GRCh38, chr9:108,893,978, plus strand): 5'-TAAACATACTAATCCCCACACTTACCACATTTGCTGAGGTGGCCAATGGCTTTTTCATAT[C>T]GTTTCAAGTATTTGTCTATAGTAAACCGCTGATAATTAGTTTCCATTTTCTTAAGTGTAT-3'
Protein context (NP_003631.2, residues 932-952): QRFTIDKYLK[Arg942Gln]YEKAIGHLSK

ClinVar aggregate classification (germline): Conflicting classifications of pathogenicity. Review status: criteria provided, conflicting classifications (1 of 4 stars). 13 submissions from 13 submitters: Uncertain significance (7); Benign (1); Likely benign (2). 3 of the submissions do not count toward it. Last evaluated 2026-08-07.

Conditions:
ELP1-related disorder. Also called: ELP1-related condition.
Medulloblastoma (MDB). Also called: MEDULLOBLASTOMA PREDISPOSITION SYNDROME; Medulloblastoma, somatic. Identifiers: Orphanet 616, MedGen C0025149, MeSH D008527, MONDO:0007959, OMIM 155255, HP:0002885.
Familial dysautonomia. Also called: HSAN III; FD. Identifiers: Orphanet 1764, MedGen C0013364, MONDO:0009131, OMIM 223900. Disease mechanism: loss of function.

Allele frequency attached by ClinVar (database versions not stated): TOPMed 0.00046; ESP Exome Variant Server 0.00062.
gnomAD v4.1: 1,315 of 1,613,196 alleles (0.082%); highest among the groups gnomAD compares: Non-Finnish European, 0.1%; 2 homozygotes.

Submissions (13):

GeneDx
Classification: Uncertain significance. Last evaluated: 2026-08-07. Review status: criteria provided, single submitter. Criteria: GeneDx Variant Classification Process June 2021. Collection method: clinical testing. Allele origin: germline.
Comment: Reported previously as a variant of uncertain significance in two individuals with CMT1 and hereditary motor neuropathy, respectively (PMID: 26392352); In silico analysis supports that this missense variant has a deleterious effect on protein structure/function; This variant is associated with the following publications: (PMID: 26392352)

CeGaT Center for Human Genetics Tuebingen
Classification: Likely benign. Last evaluated: 2026-05-01. Review status: criteria provided, single submitter. Criteria: CeGaT Center For Human Genetics Tuebingen Variant Classification Criteria Version 2. Collection method: clinical testing. Allele origin: germline. Affected: yes. Observed: 3 variant alleles.
Comment: ELP1: BS1

St. Jude Molecular Pathology, St. Jude Children's Research Hospital
Classification: Uncertain significance for Medulloblastoma. Last evaluated: 2026-02-11. Review status: criteria provided, single submitter. Criteria: St. Jude Assertion Criteria 2020. Collection method: clinical testing. Allele origin: germline.
Comment: The ELP1 c.2825G>A p.(Arg942Gln) missense change has a maximum subpopulation frequency of 0.089% in gnomAD v2.1.1 including one homozygote. The in silico tool REVEL is inconclusive about a pathogenic or benign effect of this variant on protein function, and to our knowledge functional studies have not been performed. This variant has been reported in an individual with Charcot-Marie-Tooth disease and in an individual with hereditary motor neuropathy (PMID: 26392352). In summary, the evidence currently available is insufficient to determine the clinical significance of this variant. It has therefore been classified as of uncertain significance.

PreventionGenetics, part of Exact Sciences
Classification: Likely benign for ELP1-related condition. Last evaluated: 2025-04-07. Review status: criteria provided, single submitter. Criteria: ACMG Guidelines, 2015. Collection method: clinical testing. Allele origin: germline.
Comment: This variant is classified as likely benign based on ACMG/AMP sequence variant interpretation guidelines (Richards et al. 2015 PMID: 25741868, with internal and published modifications).

Revvity Omics, Revvity
Classification: Uncertain significance for Familial dysautonomia. Last evaluated: 2024-09-04. Review status: criteria provided, single submitter. Criteria: ACMG Guidelines, 2015. Collection method: clinical testing. Allele origin: germline.

Ambry Genetics
Classification: Uncertain significance. Last evaluated: 2024-07-16. Review status: criteria provided, single submitter. Criteria: Ambry Variant Classification Scheme 2023. Collection method: clinical testing. Allele origin: germline.

Mayo Clinic Laboratories, Mayo Clinic
Classification: Uncertain significance. Last evaluated: 2024-07-15. Review status: criteria provided, single submitter. Criteria: ACMG Guidelines, 2015. Collection method: clinical testing. Allele origin: germline. Observed: 1 variant allele.

Labcorp Genetics (formerly Invitae), Labcorp
Classification: Uncertain significance. Last evaluated: 2022-09-07. Review status: criteria provided, single submitter. Criteria: Invitae Variant Classification Sherloc (09022015). Collection method: clinical testing. Allele origin: germline.
Comment: This sequence change replaces arginine, which is basic and polar, with glutamine, which is neutral and polar, at codon 942 of the ELP1 protein (p.Arg942Gln). This variant is present in population databases (rs149845612, gnomAD 0.09%), including at least one homozygous and/or hemizygous individual. This missense change has been observed in individual(s) with Charcot-Marie-Tooth disease and/or hereditary motor neuropathy (PMID: 26392352). ClinVar contains an entry for this variant (Variation ID: 242293). Algorithms developed to predict the effect of missense changes on protein structure and function are either unavailable or do not agree on the potential impact of this missense change (SIFT: "Tolerated"; PolyPhen-2: "Probably Damaging"; Align-GVGD: "Class C0"). In summary, the available evidence is currently insufficient to determine the role of this variant in disease. Therefore, it has been classified as a Variant of Uncertain Significance.

Illumina Laboratory Services, Illumina
Classification: Uncertain significance for Familial dysautonomia. Last evaluated: 2018-01-12. Review status: criteria provided, single submitter. Criteria: ICSL Variant Classification Criteria 13 December 2019. Collection method: clinical testing. Allele origin: germline.

ARUP Laboratories, Molecular Genetics and Genomics, ARUP Laboratories
Classification: Benign. Last evaluated: 2017-06-15. Review status: criteria provided, single submitter. Criteria: ARUP Molecular Germline Variant Investigation Process. Collection method: clinical testing. Allele origin: germline.

Natera, Inc.
Classification: Benign for Familial dysautonomia. Last evaluated: 2020-05-30. Review status: no assertion criteria provided. Collection method: clinical testing. Allele origin: germline. Not counted in ClinVar's aggregate classification.

Clinical Genetics, Academic Medical Center
Classification: Uncertain significance. Review status: no assertion criteria provided. Collection method: clinical testing. Allele origin: germline. Affected: yes. Study: VKGL Data-share Consensus. Not counted in ClinVar's aggregate classification.

Genome Diagnostics Laboratory, University Medical Center Utrecht
Classification: Uncertain significance. Review status: no assertion criteria provided. Collection method: clinical testing. Allele origin: germline. Affected: yes. Study: VKGL Data-share Consensus. Not counted in ClinVar's aggregate classification.

Literature cited by the submitters: PubMed 26392352 (cited by Mayo Clinic Laboratories, Mayo Clinic and Labcorp Genetics (formerly Invitae), Labcorp).